The following is an entry in ClinVar:

NM_016038.4(SBDS):c.732A>T (p.Glu244Asp)

Gene: SBDS (SBDS ribosome maturation factor; minus strand). Cytogenetic location: 7q11.21.
Variant type: single nucleotide variant.
Coding change: c.732A>T on transcript NM_016038.4 (MANE Select); coding-DNA position 732, A replaced by T.
Protein change: p.Glu244Asp; replaces glutamic acid 244 with aspartic acid.
Molecular consequence: missense variant.
Genome position (GRCh38, 1-based): chr7:66,988,392, T>A on the plus strand (A>T on the coding strand, the complement: SBDS is on the minus strand). VCF-style: chr7-66988392-T-A. GRCh37 (hg19) VCF-style: chr7-66453379-T-A.
Other names: short protein forms E244D.
Identifiers: ClinVar variation 4630238 (VCV004630238.1).

ClinVar aggregate classification (germline): Uncertain significance (1 of 4 stars; one submission).

Conditions:
Inborn genetic diseases. Identifiers: MedGen C0950123, MeSH D030342.

Submission:

Ambry Genetics
Classification: Uncertain significance for Inborn genetic diseases. Last evaluated: 2025-11-12. Review status: criteria provided, single submitter. Criteria: Ambry Variant Classification Scheme 2023. Collection method: clinical testing. Allele origin: germline.
Comment: The p.E244D variant (also known as c.732A>T), located in coding exon 5 of the SBDS gene, results from an A to T substitution at nucleotide position 732. The glutamic acid at codon 244 is replaced by aspartic acid, an amino acid with highly similar properties. This amino acid position is conserved. In addition, the in silico prediction for this alteration is inconclusive. Based on the available evidence, the clinical significance of this variant remains unclear.